The following is an entry in ClinVar:

ClinVar aggregate classification (germline): Benign/Likely benign. Review status: criteria provided, multiple submitters, no conflicts (2 of 4 stars). 8 submissions from 8 submitters: Benign (5); Likely benign (3). Last evaluated 2026-01-09.

Conditions:
Inborn genetic diseases. Identifiers: MedGen C0950123, MeSH D030342.
Nicolaides-Baraitser syndrome (NCBRS). Also called: Intellectual disability-sparse hair-brachydactyly syndrome; SMARCA2-Related Nicolaides-Baraitser Syndrome. Identifiers: Orphanet 3051, MedGen C1303073, MONDO:0011053, OMIM 601358.

Allele frequency attached by ClinVar (database versions not stated): ESP Exome Variant Server 0.00015; TOPMed 0.00068; ExAC 0.00103; gnomAD exomes 0.00108; 1000 Genomes Project 30x 0.00219; 1000 Genomes Project 0.00260.
gnomAD v4.1: 657 of 1,614,080 alleles (0.041%); highest among the groups gnomAD compares: East Asian, 1.2%; 10 homozygotes.

Submissions (8):

Labcorp Genetics (formerly Invitae), Labcorp
Classification: Benign. Last evaluated: 2026-01-09. Review status: criteria provided, single submitter. Criteria: Invitae Variant Classification Sherloc (09022015). Collection method: clinical testing. Allele origin: germline.

CeGaT Center for Human Genetics Tuebingen
Classification: Likely benign. Last evaluated: 2025-12-01. Review status: criteria provided, single submitter. Criteria: CeGaT Center For Human Genetics Tuebingen Variant Classification Criteria Version 2. Collection method: clinical testing. Allele origin: germline. Affected: yes. Observed: 2 variant alleles.
Comment: SMARCA2: BP4, BS1

Mayo Clinic Laboratories, Mayo Clinic
Classification: Benign. Last evaluated: 2024-11-06. Review status: criteria provided, single submitter. Criteria: ACMG Guidelines, 2015. Collection method: clinical testing. Allele origin: germline. Observed: 1 variant allele.
Comment: BA1

Blueprint Genetics
Classification: Likely benign. Last evaluated: 2024-11-01. Review status: criteria provided, single submitter. Criteria: ACMG Guidelines, 2015. Collection method: clinical testing. Allele origin: germline.

GeneDx
Classification: Likely benign. Last evaluated: 2020-12-04. Review status: criteria provided, single submitter. Criteria: GeneDx Variant Classification Process June 2021. Collection method: clinical testing. Allele origin: germline. Affected: yes.

Illumina Laboratory Services, Illumina
Classification: Benign for Nicolaides-Baraitser syndrome. Last evaluated: 2018-01-13. Review status: criteria provided, single submitter. Criteria: ICSL Variant Classification Criteria 13 December 2019. Collection method: clinical testing. Allele origin: germline.
Comment: This variant was observed in the ICSL laboratory as part of a predisposition screen in an ostensibly healthy population. It had not been previously curated by ICSL or reported in the Human Gene Mutation Database (HGMD: prior to June 1st, 2018), and was therefore a candidate for classification through an automated scoring system. Utilizing variant allele frequency, disease prevalence and penetrance estimates, and inheritance mode, an automated score was calculated to assess if this variant is too frequent to cause the disease. Based on the score and internal cut-off values, a variant classified as benign is not then subjected to further curation. The score for this variant resulted in a classification of benign for this disease.

Ambry Genetics
Classification: Benign for Inborn genetic diseases. Last evaluated: 2016-07-01. Review status: criteria provided, single submitter. Criteria: Ambry Variant Classification Scheme 2023. Collection method: clinical testing. Allele origin: germline.

Genetic Services Laboratory, University of Chicago
Classification: Benign for AllHighlyPenetrant. Last evaluated: 2013-10-25. Review status: criteria provided, single submitter. Criteria: ACMG Guidelines, 2007. Collection method: clinical testing. Allele origin: germline. Inheritance: Autosomal dominant inheritance. Observed: 1 variant allele.

NM_003070.5(SMARCA2):c.1122C>G (p.Thr374=)

Gene: SMARCA2 (SWI/SNF related BAF chromatin remodeling complex subunit ATPase 2; plus strand). Cytogenetic location: 9p24.3.
Variant type: single nucleotide variant.
Coding change: c.1122C>G on transcript NM_003070.5 (MANE Select); coding-DNA position 1122, C replaced by G.
Protein change: p.Thr374=; no amino-acid change (threonine 374 retained).
Molecular consequence: synonymous variant.
Genome position (GRCh38, 1-based): chr9:2,054,672, C>G. VCF-style: chr9-2054672-C-G. GRCh37 (hg19) VCF-style: chr9-2054672-C-G.
Other names: p.Thr374=; c.1122C>G, p.Thr374= (NM_001289396.2, NM_001289397.2, NM_139045.4).
Identifiers: ClinVar variation 126342 (VCV000126342.43), dbSNP rs138404604, ClinGen allele CA151079.
Genomic context (GRCh38, chr9:2,054,672, plus strand): 5'-AGCTCATAGGATACAAGAACTGGAAAATCTGCCTGGCTCTTTGCCACCAGATTTAAGAAC[C>G]AAAGCAACCGTGGAACTAAAAGCACTTCGGTTACTCAATTTCCAGCGTCAGGTAATACAT-3'
Protein context (NP_003061.3, residues 364-384): LPGSLPPDLR[Thr374=]KATVELKALR